The following is an entry in ClinVar:

ClinVar aggregate classification (germline): Uncertain significance (1 of 4 stars; one submission).

gnomAD v4.1: 1 of 1,456,946 alleles (0.000069%); highest among the groups gnomAD compares: African/African-American, 0.0015%; no homozygotes.

Submission:

Labcorp Genetics (formerly Invitae), Labcorp
Classification: Uncertain significance. Last evaluated: 2022-11-01. Review status: criteria provided, single submitter. Criteria: Invitae Variant Classification Sherloc (09022015). Collection method: clinical testing. Allele origin: germline.
Comment: In summary, the available evidence is currently insufficient to determine the role of this variant in disease. Therefore, it has been classified as a Variant of Uncertain Significance. Advanced modeling of protein sequence and biophysical properties (such as structural, functional, and spatial information, amino acid conservation, physicochemical variation, residue mobility, and thermodynamic stability) performed at Invitae indicates that this missense variant is not expected to disrupt GRM6 protein function. This variant has not been reported in the literature in individuals affected with GRM6-related conditions. This variant is not present in population databases (gnomAD no frequency). This sequence change replaces alanine, which is neutral and non-polar, with threonine, which is neutral and polar, at codon 105 of the GRM6 protein (p.Ala105Thr).

NM_000843.4(GRM6):c.313G>A (p.Ala105Thr)

Gene: GRM6 (glutamate metabotropic receptor 6; minus strand). Cytogenetic location: 5q35.3.
Variant type: single nucleotide variant.
Coding change: c.313G>A on transcript NM_000843.4 (MANE Select); coding-DNA position 313, G replaced by A.
Protein change: p.Ala105Thr; replaces alanine 105 with threonine.
Molecular consequence: missense variant.
Genome position (GRCh38, 1-based): chr5:178,994,632, C>T on the plus strand (G>A on the coding strand, the complement: GRM6 is on the minus strand). VCF-style: chr5-178994632-C-T. GRCh37 (hg19) VCF-style: chr5-178421633-C-T.
Other names: short protein forms A105T.
Identifiers: ClinVar variation 1720702 (VCV001720702.5), dbSNP rs2480407754, ClinGen allele CA362436640.
Genomic context (GRCh38, chr5:178,994,632, plus strand): 5'-CGTCGCCGTCGCCGCGGCCGCGGATCAGCGCCTGCACGAAGCTCAGCGCCTGCTCCAGCG[C>T]GTAGGTGTCCCGCGAGCAGGTGTCCAGCAGCCGCGCGCCCAGGCGCACGCCGGGCAGCAG-3'
Protein context (NP_000834.2, residues 95-115): LLDTCSRDTY[Ala105Thr]LEQALSFVQA